The following is an entry in ClinVar:

ClinVar aggregate classification (germline): Uncertain significance. Review status: criteria provided, multiple submitters, no conflicts (2 of 4 stars). 3 submissions from 3 submitters: Uncertain significance (3). Last evaluated 2024-12-23.

Conditions:
FANCF-related disorder. Also called: FANCF-related condition.
Fanconi anemia complementation group F. Also called: FANCF-Related Fanconi Anemia. Identifiers: Orphanet 84, MedGen C3469526, MONDO:0011325, OMIM 603467.
Fanconi anemia (FA). Also called: Fanconi's anemia. Identifiers: Orphanet 84, MedGen C0015625, MeSH D005199, MONDO:0019391.

Allele frequency attached by ClinVar (database versions not stated): gnomAD exomes below 0.00001; TOPMed below 0.00001; gnomAD 0.00001.

Submissions (3):

PreventionGenetics, part of Exact Sciences
Classification: Uncertain significance for FANCF-related condition. Last evaluated: 2024-12-23. Review status: criteria provided, single submitter. Criteria: ACMG Guidelines, 2015. Collection method: clinical testing. Allele origin: germline.
Comment: The FANCF c.583C>A variant is predicted to result in the amino acid substitution p.Arg195Ser. To our knowledge, this variant has not been reported in the literature. This variant is reported in 0.00089% of alleles in individuals of European (Non-Finnish) descent in gnomAD. At this time, the clinical significance of this variant is uncertain due to the absence of conclusive functional and genetic evidence.

Labcorp Genetics (formerly Invitae), Labcorp
Classification: Uncertain significance for Fanconi anemia. Last evaluated: 2022-01-26. Review status: criteria provided, single submitter. Criteria: Invitae Variant Classification Sherloc (09022015). Collection method: clinical testing. Allele origin: germline.
Comment: This sequence change replaces arginine, which is basic and polar, with serine, which is neutral and polar, at codon 195 of the FANCF protein (p.Arg195Ser). This variant is present in population databases (no rsID available, gnomAD 0.0009%). This variant has not been reported in the literature in individuals affected with FANCF-related conditions. ClinVar contains an entry for this variant (Variation ID: 1039214). Algorithms developed to predict the effect of missense changes on protein structure and function (SIFT, PolyPhen-2, Align-GVGD) all suggest that this variant is likely to be tolerated. In summary, the available evidence is currently insufficient to determine the role of this variant in disease. Therefore, it has been classified as a Variant of Uncertain Significance.

Fulgent Genetics
Classification: Uncertain significance for Fanconi anemia complementation group F. Last evaluated: 2021-07-08. Review status: criteria provided, single submitter. Criteria: ACMG Guidelines, 2015. Collection method: clinical testing. Allele origin: unknown.

NM_022725.4(FANCF):c.583C>A (p.Arg195Ser)

Gene: FANCF (FA complementation group F; minus strand). Cytogenetic location: 11p14.3.
Variant type: single nucleotide variant.
Coding change: c.583C>A on transcript NM_022725.4 (MANE Select); coding-DNA position 583, C replaced by A.
Protein change: p.Arg195Ser; replaces arginine 195 with serine.
Molecular consequence: missense variant.
Genome position (GRCh38, 1-based): chr11:22,625,228, G>T on the plus strand (C>A on the coding strand, the complement: FANCF is on the minus strand). VCF-style: chr11-22625228-G-T. GRCh37 (hg19) VCF-style: chr11-22646774-G-T.
Other names: short protein forms R195S.
Identifiers: ClinVar variation 1039214 (VCV001039214.8), dbSNP rs1231820160, ClinGen allele CA380058745.